The following is an entry in ClinVar:

NM_025144.4(ALPK1):c.289G>A (p.Ala97Thr)

Gene: ALPK1 (alpha kinase 1; plus strand). Cytogenetic location: 4q25.
Variant type: single nucleotide variant.
Coding change: c.289G>A on transcript NM_025144.4 (MANE Select); coding-DNA position 289, G replaced by A.
Protein change: p.Ala97Thr; replaces alanine 97 with threonine.
Molecular consequence: missense variant.
Genome position (GRCh38, 1-based): chr4:112,411,839, G>A. VCF-style: chr4-112411839-G-A. GRCh37 (hg19) VCF-style: chr4-113332995-G-A.
Other names: c.289G>A, p.Ala97Thr (NM_001102406.2); c.55G>A, p.Ala19Thr (NM_001253884.2); short protein forms A97T, A19T.
Identifiers: ClinVar variation 4744554 (VCV004744554.1).
Genomic context (GRCh38, chr4:112,411,839, plus strand): 5'-CTGCCAGCGTTTCCGCCTGGCTCACGATGTTCCACGCTGTTCCTCCAGGCGTCCCTGAGG[G>A]CCTCCATCCTCGCTCGGGACTGTGCGGCTGCGGCGGCTATTGTGTTCTTGGTGGACCGGT-3'
Protein context (NP_079420.3, residues 87-107): GLQQLLASLR[Ala97Thr]SILARDCAAA

ClinVar aggregate classification (germline): Uncertain significance (1 of 4 stars; one submission).

gnomAD v4.1: 1 of 1,612,168 alleles (0.000062%); highest among the groups gnomAD compares: Non-Finnish European, 0.000085%; no homozygotes.

Submission:

Labcorp Genetics (formerly Invitae), Labcorp
Classification: Uncertain significance. Last evaluated: 2025-04-17. Review status: criteria provided, single submitter. Criteria: Invitae Variant Classification Sherloc (09022015). Collection method: clinical testing. Allele origin: germline.
Comment: This sequence change replaces alanine, which is neutral and non-polar, with threonine, which is neutral and polar, at codon 97 of the ALPK1 protein (p.Ala97Thr). This variant is not present in population databases (gnomAD no frequency). This variant has not been reported in the literature in individuals affected with ALPK1-related conditions. Invitae Evidence Modeling of protein sequence and biophysical properties (such as structural, functional, and spatial information, amino acid conservation, physicochemical variation, residue mobility, and thermodynamic stability) indicates that this missense variant is not expected to disrupt ALPK1 protein function with a negative predictive value of 80%. In summary, the available evidence is currently insufficient to determine the role of this variant in disease. Therefore, it has been classified as a Variant of Uncertain Significance.